The following is an entry in ClinVar:

ClinVar aggregate classification (germline): Uncertain significance (1 of 4 stars; one submission).

Conditions:
Walker-Warburg congenital muscular dystrophy. Also called: Muscular dystrophy-dystroglycanopathy, type A; Walker-Warburg syndrome. Identifiers: Orphanet 899, MedGen C0265221, MONDO:0000171.

Submission:

Labcorp Genetics (formerly Invitae), Labcorp
Classification: Uncertain significance for Walker-Warburg congenital muscular dystrophy. Last evaluated: 2021-12-16. Review status: criteria provided, single submitter. Criteria: Invitae Variant Classification Sherloc (09022015). Collection method: clinical testing. Allele origin: germline.
Comment: This variant is a gross deletion of the genomic region encompassing exon(s) 11 of the FKTN gene, which includes the termination codon. This deletion extends beyond the assayed region for this gene and therefore may encompass additional genes. While this deletion is not anticipated to lead to nonsense mediated decay, it is expected to alter mRNA translation or result in a truncated protein product. This variant has not been reported in the literature in individuals affected with FKTN-related conditions. In summary, the available evidence is currently insufficient to determine the role of this variant in disease. Therefore, it has been classified as a Variant of Uncertain Significance.

NC_000009.11:g.(?_108397312)_(108397545_?)del

Gene: FKTN (fukutin; plus strand). Cytogenetic location: 9q31.2.
Variant type: Deletion.
Identifiers: ClinVar variation 2423627 (VCV002423627.3).